The following is an entry in ClinVar:

NM_001330063.2(ANKFY1):c.2599-7G>A

Gene: ANKFY1 (ankyrin repeat and FYVE domain containing 1; minus strand). Cytogenetic location: 17p13.2.
Variant type: single nucleotide variant.
Coding change: c.2599-7G>A on transcript NM_001330063.2 (MANE Select); 7 bases into the intron before coding-DNA position 2599, G replaced by A.
Molecular consequence: intron variant.
Genome position (GRCh38, 1-based): chr17:4,177,309, C>T on the plus strand (G>A on the coding strand, the complement: ANKFY1 is on the minus strand). VCF-style: chr17-4177309-C-T. GRCh37 (hg19) VCF-style: chr17-4080604-C-T.
Other names: c.2602-7G>A (NM_016376.5); c.2725-7G>A (NM_001257999.3).
Identifiers: ClinVar variation 4979850 (VCV004979850.1).

ClinVar aggregate classification (germline): Likely benign (1 of 4 stars; one submission).

Conditions:
ANKFY1-related disorder. Also called: ANKFY1-related condition.

gnomAD v4.1: 5 of 1,574,326 alleles (0.00032%); highest among the groups gnomAD compares: Admixed American, 0.0073%; no homozygotes.

Submission:

PreventionGenetics, part of Exact Sciences
Classification: Likely benign for ANKFY1-related condition. Last evaluated: 2025-07-07. Review status: criteria provided, single submitter. Criteria: ACMG Guidelines, 2015. Collection method: clinical testing. Allele origin: germline.
Comment: This variant is classified as likely benign based on ACMG/AMP sequence variant interpretation guidelines (Richards et al. 2015 PMID: 25741868, with internal and published modifications).